The following is an entry in ClinVar:

ClinVar aggregate classification (germline): Uncertain significance. Review status: criteria provided, multiple submitters, no conflicts (2 of 4 stars). 4 submissions from 4 submitters: Uncertain significance (4). Last evaluated 2026-10-12.

Conditions:
Familial thoracic aortic aneurysm and aortic dissection (TAAD). Also called: Thoracic aortic aneurysms and dissections. Identifiers: Orphanet 91387, MedGen C4707243, MONDO:0019625.
Rienhoff syndrome. Also called: LOEYS-DIETZ SYNDROME 5. Identifiers: MedGen C3810012, MONDO:0014262, OMIM 615582.

Allele frequency attached by ClinVar (database versions not stated): TOPMed below 0.00001; gnomAD exomes 0.00002 and 0.00003; gnomAD 0.00001; ExAC 0.00004.
gnomAD v4.1: 29 of 1,613,996 alleles (0.0018%); highest among the groups gnomAD compares: East Asian, 0.018%; no homozygotes.

Submissions (4):

GeneDx
Classification: Uncertain significance. Last evaluated: 2026-10-12. Review status: criteria provided, single submitter. Criteria: GeneDx Variant Classification Process June 2021. Collection method: clinical testing. Allele origin: germline.
Comment: Has not been previously published as pathogenic or benign to our knowledge; In silico analysis suggests that this missense variant does not alter protein structure/function

Labcorp Genetics (formerly Invitae), Labcorp
Classification: Uncertain significance for Rienhoff syndrome. Last evaluated: 2025-12-02. Review status: criteria provided, single submitter. Criteria: Invitae Variant Classification Sherloc (09022015). Collection method: clinical testing. Allele origin: germline.
Comment: This sequence change replaces threonine, which is neutral and polar, with methionine, which is neutral and non-polar, at codon 360 of the TGFB3 protein (p.Thr360Met). This variant is present in population databases (rs750299821, gnomAD 0.007%). This variant has not been reported in the literature in individuals affected with TGFB3-related conditions. ClinVar contains an entry for this variant (Variation ID: 393074). An algorithm developed to predict the effect of missense changes on protein structure and function (PolyPhen-2) suggests that this variant is likely to be disruptive. In summary, the available evidence is currently insufficient to determine the role of this variant in disease. Therefore, it has been classified as a Variant of Uncertain Significance.

Women's Health and Genetics/Laboratory Corporation of America, LabCorp
Classification: Uncertain significance. Last evaluated: 2024-11-14. Review status: criteria provided, single submitter. Criteria: LabCorp Variant Classification Summary - May 2015. Collection method: clinical testing. Allele origin: germline.
Comment: Variant summary: TGFB3 c.1079C>T (p.Thr360Met) results in a non-conservative amino acid change in the encoded protein sequence. Three of five in-silico tools predict a benign effect of the variant on protein function. Several computational tools predict a significant impact on normal splicing: One predict the variant no significant impact on splicing. Three predict the variant weakens a 5' donor site. However, these predictions have yet to be confirmed by functional studies. The variant allele was found at a frequency of 2.8e-05 in 251194 control chromosomes. The available data on variant occurrences in the general population are insufficient to allow any conclusion about variant significance. To our knowledge, no occurrence of c.1079C>T in individuals affected with Loeys-Dietz Syndrome and no experimental evidence demonstrating its impact on protein function have been reported. ClinVar contains an entry for this variant (Variation ID: 393074). Based on the evidence outlined above, the variant was classified as uncertain significance.

Ambry Genetics
Classification: Uncertain significance for Familial thoracic aortic aneurysm and aortic dissection. Last evaluated: 2024-03-16. Review status: criteria provided, single submitter. Criteria: Ambry Variant Classification Scheme 2023. Collection method: clinical testing. Allele origin: germline.
Comment: The p.T360M variant (also known as c.1079C>T), located in coding exon 6 of the TGFB3 gene, results from a C to T substitution at nucleotide position 1079. The threonine at codon 360 is replaced by methionine, an amino acid with similar properties. This amino acid position is not well conserved in available vertebrate species. In addition, the in silico prediction for this alteration is inconclusive. Since supporting evidence is limited at this time, the clinical significance of this alteration remains unclear.

NM_003239.5(TGFB3):c.1079C>T (p.Thr360Met)

Gene: TGFB3 (transforming growth factor beta 3; minus strand). Cytogenetic location: 14q24.3.
Variant type: single nucleotide variant.
Coding change: c.1079C>T on transcript NM_003239.5 (MANE Select); coding-DNA position 1079, C replaced by T.
Protein change: p.Thr360Met; replaces threonine 360 with methionine.
Molecular consequence: missense variant.
Genome position (GRCh38, 1-based): chr14:75,960,924, G>A on the plus strand (C>T on the coding strand, the complement: TGFB3 is on the minus strand). VCF-style: chr14-75960924-G-A. GRCh37 (hg19) VCF-style: chr14-76427267-G-A.
Other names: c.1079C>T, p.Thr360Met (NM_001329939.2); short protein forms T360M.
Identifiers: ClinVar variation 393074 (VCV000393074.17), dbSNP rs750299821, ClinGen allele CA7280279.